The following is an entry in ClinVar:

NM_003322.6(TULP1):c.1453_1460del (p.Gln485fs)

Gene: TULP1 (TUB like protein 1; minus strand). Cytogenetic location: 6p21.31.
Variant type: Deletion.
Coding change: c.1453_1460del on transcript NM_003322.6 (MANE Select); coding-DNA positions 1453 to 1460, 8 bases deleted (CAGGCCTC; older notation c.1453_1460delCAGGCCTC).
Protein change: p.Gln485fs; shifts the reading frame from glutamine 485.
Molecular consequence: frameshift variant.
Genome position (GRCh38, 1-based): chr6:35,500,016-35,500,023, GAGGCCTG deleted on the plus strand (CAGGCCTC on the coding strand, the reverse complement: TULP1 is on the minus strand); deleting any 8 consecutive bases within chr6:35,500,016-35,500,024 gives the same sequence; the c. name uses the placement nearest the transcript's 3' end. VCF-style (leftmost placement, unchanged base first): chr6-35500015-TGAGGCCTG-T. GRCh37 (hg19) VCF-style: chr6-35467792-TGAGGCCTG-T.
Other names: c.1294_1301del, p.Gln432fs (NM_001289395.2); short protein forms Q432fs, Q485fs.
Identifiers: ClinVar variation 1950198 (VCV001950198.6), dbSNP rs1421431727, ClinGen allele CA824214121.
Genomic context (GRCh38, chr6:35,500,015, plus strand): 5'-CCAGACCTGGGCCCTCAGGTACTCACGGTCATCAGCGTGGACAATCTGGAAGTTCTTGAC[TGAGGCCTG>T]GGTGACCCGGCCTTGGAAGTTGAGGGTGTAGGAGCCACTGTCATCGTTCCAGACAGGTGG-3'

ClinVar aggregate classification (germline): Pathogenic/Likely pathogenic. Review status: criteria provided, multiple submitters, no conflicts (2 of 4 stars). 2 submissions from 2 submitters: Pathogenic (1); Likely pathogenic (1). Last evaluated 2025-05-15.

Conditions:
TULP1-related disorder. Also called: TULP1-related condition; TULP1-related disorders.

Submissions (2):

Labcorp Genetics (formerly Invitae), Labcorp
Classification: Pathogenic. Last evaluated: 2025-05-15. Review status: criteria provided, single submitter. Criteria: Invitae Variant Classification Sherloc (09022015). Collection method: clinical testing. Allele origin: germline.
Comment: This sequence change creates a premature translational stop signal (p.Gln485Serfs*10) in the TULP1 gene. While this is not anticipated to result in nonsense mediated decay, it is expected to disrupt the last 58 amino acid(s) of the TULP1 protein. This variant is not present in population databases (gnomAD no frequency). This variant has not been reported in the literature in individuals affected with TULP1-related conditions. ClinVar contains an entry for this variant (Variation ID: 1950198). This variant disrupts a region of the TULP1 protein in which other variant(s) (p.Tyr520*) have been determined to be pathogenic (internal data). This suggests that this is a clinically significant region of the protein, and that variants that disrupt it are likely to be disease-causing. For these reasons, this variant has been classified as Pathogenic.

Blueprint Genetics
Classification: Likely pathogenic for TULP1-related disorders. Last evaluated: 2023-09-22. Review status: criteria provided, single submitter. Criteria: ACMG Guidelines, 2015. Collection method: clinical testing. Allele origin: germline. Affected: yes. Observed: 1 variant allele.